The following is an entry in ClinVar:

NM_001082486.2(ACD):c.303C>A (p.Cys101Ter)

Gene: ACD (ACD shelterin complex subunit and telomerase recruitment factor; minus strand). Cytogenetic location: 16q22.1.
Variant type: single nucleotide variant.
Coding change: c.303C>A on transcript NM_001082486.2 (MANE Select); coding-DNA position 303, C replaced by A.
Protein change: p.Cys101Ter; replaces cysteine 101 with a stop codon.
Molecular consequence: nonsense.
Genome position (GRCh38, 1-based): chr16:67,659,735, G>T on the plus strand (C>A on the coding strand, the complement: ACD is on the minus strand). VCF-style: chr16-67659735-G-T. GRCh37 (hg19) VCF-style: chr16-67693638-G-T.
Other names: c.303C>A, p.Cys101Ter (NM_001410884.1); c.294C>A, p.Cys98Ter (NM_022914.3); short protein forms C101*, C98*.
Identifiers: ClinVar variation 4725522 (VCV004725522.1).
Genomic context (GRCh38, chr16:67,659,735, plus strand): 5'-CCCGCCCAAGGCAGTCTCACCACTCACCGCGCCGCCCTCAGCGACCTGGACATGAACCCC[G>T]CAGTCCTGCAGCAGCAGCAGCCGGCCCTCTGTCCCGCGGAAGCCGAACTCCTTCTCCTCC-3'

ClinVar aggregate classification (germline): Uncertain significance (1 of 4 stars; one submission).

Conditions:
Dyskeratosis congenita, autosomal dominant 6 (DKCA6). Identifiers: Orphanet 3322, MedGen C4225284, MONDO:0014690, OMIM 616553.

Submission:

Labcorp Genetics (formerly Invitae), Labcorp
Classification: Uncertain significance for Dyskeratosis congenita, autosomal dominant 6. Last evaluated: 2025-08-16. Review status: criteria provided, single submitter. Criteria: Invitae Variant Classification Sherloc (09022015). Collection method: clinical testing. Allele origin: germline.
Comment: This sequence change creates a premature translational stop signal (p.Cys187*) in the ACD gene. It is expected to result in an absent or disrupted protein product. However, the current clinical and genetic evidence is not sufficient to establish whether loss-of-function variants in ACD cause disease. This variant is not present in population databases (gnomAD no frequency). This variant has not been reported in the literature in individuals affected with ACD-related conditions. In summary, the available evidence is currently insufficient to determine the role of this variant in disease. Therefore, it has been classified as a Variant of Uncertain Significance.